The following is an entry in ClinVar:

ClinVar aggregate classification (germline): Conflicting classifications of pathogenicity. Review status: criteria provided, conflicting classifications (1 of 4 stars). 2 submissions from 2 submitters: Uncertain significance (1); Likely benign (1). Last evaluated 2023-02-01.

Conditions:
Desmosterolosis. Identifiers: Orphanet 35107, MedGen C1865596, MONDO:0011217, OMIM 602398.

Allele frequency attached by ClinVar (database versions not stated): 1000 Genomes Project 30x 0.00156; 1000 Genomes Project 0.00160; TOPMed 0.00331; gnomAD 0.00532 and 0.00558.

Submissions (2):

CeGaT Center for Human Genetics Tuebingen
Classification: Likely benign. Last evaluated: 2023-02-01. Review status: criteria provided, single submitter. Criteria: CeGaT Center For Human Genetics Tuebingen Variant Classification Criteria Version 2. Collection method: clinical testing. Allele origin: germline. Affected: yes. Observed: 2 variant alleles.
Comment: DHCR24: BS2

Illumina Laboratory Services, Illumina
Classification: Uncertain significance for Desmosterolosis. Last evaluated: 2018-01-12. Review status: criteria provided, single submitter. Criteria: ICSL Variant Classification Criteria 13 December 2019. Collection method: clinical testing. Allele origin: germline.

NM_014762.4(DHCR24):c.*1489G>A

Gene: DHCR24 (24-dehydrocholesterol reductase; minus strand). Cytogenetic location: 1p32.3.
Variant type: single nucleotide variant.
Coding change: c.*1489G>A on transcript NM_014762.4 (MANE Select); 1489 bases downstream of the stop codon, G replaced by A.
Molecular consequence: 3 prime UTR variant.
Genome position (GRCh38, 1-based): chr1:54,850,744, C>T on the plus strand (G>A on the coding strand, the complement: DHCR24 is on the minus strand). VCF-style: chr1-54850744-C-T. GRCh37 (hg19) VCF-style: chr1-55316417-C-T.
Identifiers: ClinVar variation 297626 (VCV000297626.29), dbSNP rs192013345, ClinGen allele CA10610450.